The following is an entry in ClinVar:

NM_000540.3(RYR1):c.14058C>G (p.Gly4686=)

Gene: RYR1 (ryanodine receptor 1; plus strand). Cytogenetic location: 19q13.2.
Variant type: single nucleotide variant.
Coding change: c.14058C>G on transcript NM_000540.3 (MANE Select); coding-DNA position 14058, C replaced by G.
Protein change: p.Gly4686=; no amino-acid change (glycine 4686 retained).
Molecular consequence: synonymous variant.
Genome position (GRCh38, 1-based): chr19:38,573,236, C>G. VCF-style: chr19-38573236-C-G. GRCh37 (hg19) VCF-style: chr19-39063876-C-G.
Other names: c.14043C>G, p.Gly4681= (NM_001042723.2).
Identifiers: ClinVar variation 256439 (VCV000256439.13), dbSNP rs886038322, ClinGen allele CA10587336.

ClinVar aggregate classification (germline): Likely benign. Review status: criteria provided, multiple submitters, no conflicts (2 of 4 stars). 3 submissions from 3 submitters: Likely benign (3). Last evaluated 2024-08-28.

Conditions:
RYR1-related disorder. Also called: RYR1-related condition; RYR1-related disorders. Identifiers: MedGen CN239331.
Malignant hyperthermia, susceptibility to, 1 (MHS1). Also called: RYR1-Related Malignant Hyperthermia Susceptibility; Anesthesia related hyperthermia; Malignant hyperpyrexia; Fulminating hyperpyrexia; Pharmacogenic myopathy; Malignant hyperthermia suceptibility 1. Identifiers: Orphanet 423, MedGen C2930980, MONDO:0007783, OMIM 145600.

Allele frequency attached by ClinVar (database versions not stated): TOPMed 0.00002; gnomAD 0.00003.
gnomAD v4.1: 4 of 1,613,880 alleles (0.00025%); highest among the groups gnomAD compares: African/African-American, 0.004%; no homozygotes.

Submissions (3):

Labcorp Genetics (formerly Invitae), Labcorp
Classification: Likely benign for RYR1-related disorder. Last evaluated: 2024-08-28. Review status: criteria provided, single submitter. Criteria: Invitae Variant Classification Sherloc (09022015). Collection method: clinical testing. Allele origin: germline.

All of Us Research Program, National Institutes of Health
Classification: Likely benign for Malignant hyperthermia, susceptibility to, 1. Last evaluated: 2024-08-06. Review status: criteria provided, single submitter. Criteria: ACMG Guidelines, 2015. Collection method: clinical testing. Allele origin: germline. Inheritance: Autosomal dominant inheritance. Observed: 2 variant alleles, 2 heterozygotes.
Comment: This study involves interpretation of variants in research participants for the purpose of population health screening. Participant phenotype was not available at the time of variant classification. Additional details can be found in publication PMID: 35346344, PMCID: PMC8962531

PreventionGenetics, part of Exact Sciences
Classification: Likely benign. Review status: criteria provided, single submitter. Criteria: ACMG Guidelines, 2015. Collection method: clinical testing. Allele origin: germline.